The following is an entry in ClinVar:

ClinVar aggregate classification (germline): Uncertain significance (1 of 4 stars; one submission).

Allele frequency attached by ClinVar (database versions not stated): gnomAD exomes below 0.00001; ExAC 0.00003.
gnomAD v4.1: 1 of 1,580,252 alleles (0.000063%); highest among the groups gnomAD compares: Non-Finnish European, 0.000086%; no homozygotes.

Submission:

Labcorp Genetics (formerly Invitae), Labcorp
Classification: Uncertain significance. Last evaluated: 2023-08-24. Review status: criteria provided, single submitter. Criteria: Invitae Variant Classification Sherloc (09022015). Collection method: clinical testing. Allele origin: germline.
Comment: Advanced modeling of protein sequence and biophysical properties (such as structural, functional, and spatial information, amino acid conservation, physicochemical variation, residue mobility, and thermodynamic stability) performed at Invitae indicates that this missense variant is expected to disrupt PDE6B protein function. ClinVar contains an entry for this variant (Variation ID: 2092115). In summary, the available evidence is currently insufficient to determine the role of this variant in disease. Therefore, it has been classified as a Variant of Uncertain Significance. This variant has not been reported in the literature in individuals affected with PDE6B-related conditions. The frequency data for this variant in the population databases is considered unreliable, as metrics indicate poor data quality at this position in the gnomAD database. This sequence change replaces histidine, which is basic and polar, with tyrosine, which is neutral and polar, at codon 561 of the PDE6B protein (p.His561Tyr).

NM_000283.4(PDE6B):c.1681C>T (p.His561Tyr)

Gene: PDE6B (phosphodiesterase 6B; plus strand). Cytogenetic location: 4p16.3.
Variant type: single nucleotide variant.
Coding change: c.1681C>T on transcript NM_000283.4 (MANE Select); coding-DNA position 1681, C replaced by T.
Protein change: p.His561Tyr; replaces histidine 561 with tyrosine.
Molecular consequence: missense variant.
Genome position (GRCh38, 1-based): chr4:662,200, C>T. VCF-style: chr4-662200-C-T. GRCh37 (hg19) VCF-style: chr4-655989-C-T.
Other names: c.1681C>T, p.His561Tyr (NM_001145291.2); c.844C>T, p.His282Tyr (NM_001145292.2, NM_001350154.3, NM_001379246.1 and 1 more transcripts); c.526C>T, p.His176Tyr (NM_001350155.3); short protein forms H176Y, H282Y, H561Y.
Identifiers: ClinVar variation 2092115 (VCV002092115.4), dbSNP rs749560815, ClinGen allele CA2794632.
Genomic context (GRCh38, chr4:662,200, plus strand): 5'-GTGCGGTTCCTGTTCTCCATCAGCAAAGGGTACCGGAGAATCACCTACCACAACTGGCGC[C>T]ACGGCTTCAACGTGGCCCAGACGATGTTCACGCTGCTCATGGTACGTGGCTGCCAGAATC-3'
Protein context (NP_000274.3, residues 551-571): YRRITYHNWR[His561Tyr]GFNVAQTMFT